The following is an entry in ClinVar:

NM_003024.3(ITSN1):c.1761T>A (p.Asp587Glu)

Gene: ITSN1 (intersectin 1; plus strand). Cytogenetic location: 21q22.11.
Variant type: single nucleotide variant.
Coding change: c.1761T>A on transcript NM_003024.3 (MANE Select); coding-DNA position 1761, T replaced by A.
Protein change: p.Asp587Glu; replaces aspartic acid 587 with glutamic acid.
Molecular consequence: missense variant.
Genome position (GRCh38, 1-based): chr21:33,782,070, T>A. VCF-style: chr21-33782070-T-A. GRCh37 (hg19) VCF-style: chr21-35154374-T-A.
Other names: c.1761T>A, p.Asp587Glu (NM_001001132.2, NM_001331008.2, NM_001331009.2 and 2 more transcripts); c.1650T>A, p.Asp550Glu (NM_001331012.2); short protein forms D550E, D587E.
Identifiers: ClinVar variation 3343424 (VCV003343424.1).

ClinVar aggregate classification (germline): Uncertain significance (1 of 4 stars; one submission).

Submission:

GeneDx
Classification: Uncertain significance. Last evaluated: 2023-05-19. Review status: criteria provided, single submitter. Criteria: GeneDx Variant Classification Process June 2021. Collection method: clinical testing. Allele origin: germline. Affected: yes.
Comment: Not observed at significant frequency in large population cohorts (gnomAD); In silico analysis supports that this missense variant has a deleterious effect on protein structure/function; Has not been previously published as pathogenic or benign to our knowledge